The following is an entry in ClinVar:

ClinVar aggregate classification (germline): Conflicting classifications of pathogenicity. Review status: criteria provided, conflicting classifications (1 of 4 stars). 2 submissions from 2 submitters: Uncertain significance (1); Likely benign (1). Last evaluated 2024-11-19.

Allele frequency attached by ClinVar (database versions not stated): gnomAD exomes 0.00001; ExAC 0.00002; TOPMed 0.00002.
gnomAD v4.1: 10 of 1,613,374 alleles (0.00062%); highest among the groups gnomAD compares: Admixed American, 0.013%; no homozygotes.

Submissions (2):

Labcorp Genetics (formerly Invitae), Labcorp
Classification: Uncertain significance. Last evaluated: 2024-11-19. Review status: criteria provided, single submitter. Criteria: Invitae Variant Classification Sherloc (09022015). Collection method: clinical testing. Allele origin: germline.
Comment: This sequence change replaces methionine, which is neutral and non-polar, with valine, which is neutral and non-polar, at codon 248 of the CEP89 protein (p.Met248Val). This variant is present in population databases (rs759108044, gnomAD 0.01%). This variant has not been reported in the literature in individuals affected with CEP89-related conditions. ClinVar contains an entry for this variant (Variation ID: 2259521). An algorithm developed to predict the effect of missense changes on protein structure and function outputs the following: PolyPhen-2: "Benign". The valine amino acid residue is found in multiple mammalian species, which suggests that this missense change does not adversely affect protein function. In summary, the available evidence is currently insufficient to determine the role of this variant in disease. Therefore, it has been classified as a Variant of Uncertain Significance.

Ambry Genetics
Classification: Likely benign. Last evaluated: 2022-06-10. Review status: criteria provided, single submitter. Criteria: Ambry Variant Classification Scheme 2023. Collection method: clinical testing. Allele origin: germline.

NM_032816.5(CEP89):c.742A>G (p.Met248Val)

Gene: CEP89 (centrosomal protein 89; minus strand). Cytogenetic location: 19q13.11.
Variant type: single nucleotide variant.
Coding change: c.742A>G on transcript NM_032816.5 (MANE Select); coding-DNA position 742, A replaced by G.
Protein change: p.Met248Val; replaces methionine 248 with valine.
Molecular consequence: missense variant.
Genome position (GRCh38, 1-based): chr19:32,933,595, T>C on the plus strand (A>G on the coding strand, the complement: CEP89 is on the minus strand). VCF-style: chr19-32933595-T-C. GRCh37 (hg19) VCF-style: chr19-33424501-T-C.
Other names: short protein forms M248V.
Identifiers: ClinVar variation 2259521 (VCV002259521.5), dbSNP rs759108044, ClinGen allele CA9359518.